The following is an entry in ClinVar:

NM_001128205.2(SULF1):c.2162G>A (p.Arg721His)

Gene: SULF1 (sulfatase 1; plus strand). Cytogenetic location: 8q13.3.
Variant type: single nucleotide variant.
Coding change: c.2162G>A on transcript NM_001128205.2 (MANE Select); coding-DNA position 2162, G replaced by A.
Protein change: p.Arg721His; replaces arginine 721 with histidine.
Molecular consequence: missense variant. On other transcripts: non-coding transcript variant (3).
Genome position (GRCh38, 1-based): chr8:69,629,557, G>A. VCF-style: chr8-69629557-G-A. GRCh37 (hg19) VCF-style: chr8-70541792-G-A.
Other names: c.2162G>A, p.Arg721His (NM_001128204.2, NM_001128206.2, NM_015170.3); short protein forms R721H.
Identifiers: ClinVar variation 1517719 (VCV001517719.6), dbSNP rs369423636, ClinGen allele CA4776094.

ClinVar aggregate classification (germline): Uncertain significance (1 of 4 stars; one submission).

Allele frequency attached by ClinVar (database versions not stated): gnomAD exomes 0.00002; TOPMed 0.00002; ExAC 0.00003; gnomAD 0.00003; ESP Exome Variant Server 0.00008.
gnomAD v4.1: 33 of 1,613,880 alleles (0.002%); highest among the groups gnomAD compares: African/African-American, 0.0027%; no homozygotes.

Submission:

Labcorp Genetics (formerly Invitae), Labcorp
Classification: Uncertain significance. Last evaluated: 2025-11-15. Review status: criteria provided, single submitter. Criteria: Invitae Variant Classification Sherloc (09022015). Collection method: clinical testing. Allele origin: germline.
Comment: This sequence change replaces arginine, which is basic and polar, with histidine, which is basic and polar, at codon 721 of the SULF1 protein (p.Arg721His). This variant is present in population databases (rs369423636, gnomAD 0.01%). This variant has not been reported in the literature in individuals affected with SULF1-related conditions. ClinVar contains an entry for this variant (Variation ID: 1517719). An algorithm developed to predict the effect of missense changes on protein structure and function (PolyPhen-2) suggests that this variant is likely to be tolerated. In summary, the available evidence is currently insufficient to determine the role of this variant in disease. Therefore, it has been classified as a Variant of Uncertain Significance.